The following is an entry in ClinVar:

ClinVar aggregate classification (germline): Uncertain significance. Review status: criteria provided, multiple submitters, no conflicts (2 of 4 stars). 2 submissions from 2 submitters: Uncertain significance (2). Last evaluated 2025-07-31.

Conditions:
Retinitis pigmentosa (RP). Identifiers: Orphanet 791, MedGen C0035334, MeSH D012174, MONDO:0019200, OMIM 268000. Inheritance: Autosomal dominant, autosomal recessive and X linked inheritance.

Allele frequency attached by ClinVar (database versions not stated): gnomAD exomes 0.00001; ExAC 0.00002; TOPMed 0.00003; gnomAD 0.00007 and 0.00001; 1000 Genomes Project 30x 0.00016; 1000 Genomes Project 0.00020.
gnomAD v4.1: 28 of 1,614,008 alleles (0.0017%); highest among the groups gnomAD compares: African/African-American, 0.025%; 2 homozygotes.

Submissions (2):

Labcorp Genetics (formerly Invitae), Labcorp
Classification: Uncertain significance. Last evaluated: 2025-07-31. Review status: criteria provided, single submitter. Criteria: Invitae Variant Classification Sherloc (09022015). Collection method: clinical testing. Allele origin: germline.
Comment: This sequence change replaces serine, which is neutral and polar, with asparagine, which is neutral and polar, at codon 675 of the TOPORS protein (p.Ser675Asn). This variant is present in population databases (rs111359713, gnomAD 0.007%). This variant has not been reported in the literature in individuals affected with TOPORS-related conditions. ClinVar contains an entry for this variant (Variation ID: 915057). An algorithm developed to predict the effect of missense changes on protein structure and function outputs the following: PolyPhen-2: "Not Available". The asparagine amino acid residue is found in multiple mammalian species, which suggests that this missense change does not adversely affect protein function. In summary, the available evidence is currently insufficient to determine the role of this variant in disease. Therefore, it has been classified as a Variant of Uncertain Significance.

Illumina Laboratory Services, Illumina
Classification: Uncertain significance for Retinitis pigmentosa. Last evaluated: 2018-01-13. Review status: criteria provided, single submitter. Criteria: ICSL Variant Classification Criteria 13 December 2019. Collection method: clinical testing. Allele origin: germline.

NM_005802.5(TOPORS):c.2024G>A (p.Ser675Asn)

Gene: TOPORS (TOP1 binding arginine/serine rich protein, E3 ubiquitin ligase; minus strand). Cytogenetic location: 9p21.1.
Variant type: single nucleotide variant.
Coding change: c.2024G>A on transcript NM_005802.5 (MANE Select); coding-DNA position 2024, G replaced by A.
Protein change: p.Ser675Asn; replaces serine 675 with asparagine.
Molecular consequence: missense variant.
Genome position (GRCh38, 1-based): chr9:32,542,501, C>T on the plus strand (G>A on the coding strand, the complement: TOPORS is on the minus strand). VCF-style: chr9-32542501-C-T. GRCh37 (hg19) VCF-style: chr9-32542499-C-T.
Other names: c.1829G>A, p.Ser610Asn (NM_001195622.2); short protein forms S610N, S675N.
Identifiers: ClinVar variation 915057 (VCV000915057.11), dbSNP rs111359713, ClinGen allele CA5020427.
Genomic context (GRCh38, chr9:32,542,501, plus strand): 5'-TTATTTCTTAAATAATAACGATCTCTATTTCTGCTCCGTGATCTTCTTTTACCATGATCA[C>T]TGCTACGAGACCTTGATCTGCTTGTGCTTTCACTACTTAGAGACAGAGTTTGGCTTCTTC-3'
Protein context (NP_005793.2, residues 665-685): ESTSRSRSRS[Ser675Asn]DHGKRRSRSR